The following is an entry in ClinVar:

NM_001283009.2(RTEL1):c.3155C>A (p.Ala1052Glu)

Genes: RTEL1 (regulator of telomere elongation helicase 1; plus strand), RTEL1-TNFRSF6B (RTEL1-TNFRSF6B readthrough (NMD candidate); plus strand). Cytogenetic location: 20q13.33.
Variant type: single nucleotide variant.
Coding change: c.3155C>A on transcript NM_001283009.2 (MANE Select); coding-DNA position 3155, C replaced by A.
Protein change: p.Ala1052Glu; replaces alanine 1052 with glutamic acid.
Molecular consequence: missense variant. On other transcripts: non-coding transcript variant (1).
Genome position (GRCh38, 1-based): chr20:63,694,786, C>A. VCF-style: chr20-63694786-C-A. GRCh37 (hg19) VCF-style: chr20-62326139-C-A.
Other names: c.2486C>A, p.Ala829Glu (NM_001283010.1); c.3155C>A, p.Ala1052Glu (NM_016434.4); c.3227C>A, p.Ala1076Glu (NM_032957.5); short protein forms A829E, A1052E, A1076E.
Identifiers: ClinVar variation 3790953 (VCV003790953.1).

ClinVar aggregate classification (germline): Uncertain significance (1 of 4 stars; one submission).

Conditions:
Inborn genetic diseases. Identifiers: MedGen C0950123, MeSH D030342.

gnomAD v4.1: 1 of 1,611,948 alleles (0.000062%); highest among the groups gnomAD compares: South Asian, 0.0011%; no homozygotes.

Submission:

Ambry Genetics
Classification: Uncertain significance for Inborn genetic diseases. Last evaluated: 2025-01-13. Review status: criteria provided, single submitter. Criteria: Ambry Variant Classification Scheme 2023. Collection method: clinical testing. Allele origin: germline.
Comment: The p.A1076E variant (also known as c.3227C>A), located in coding exon 31 of the RTEL1 gene, results from a C to A substitution at nucleotide position 3227. The alanine at codon 1076 is replaced by glutamic acid, an amino acid with dissimilar properties. This amino acid position is conserved. In addition, this alteration is predicted to be tolerated by in silico analysis. Based on the available evidence, the clinical significance of this variant remains unclear.